The following is an entry in ClinVar:

NM_006231.4(POLE):c.910-13T>A

Gene: POLE (DNA polymerase epsilon, catalytic subunit; minus strand). Cytogenetic location: 12q24.33.
Variant type: single nucleotide variant.
Coding change: c.910-13T>A on transcript NM_006231.4 (MANE Select); 13 bases into the intron before coding-DNA position 910, T replaced by A.
Molecular consequence: intron variant.
Genome position (GRCh38, 1-based): chr12:132,676,217, A>T on the plus strand (T>A on the coding strand, the complement: POLE is on the minus strand). VCF-style: chr12-132676217-A-T. GRCh37 (hg19) VCF-style: chr12-133252803-A-T.
Identifiers: ClinVar variation 2861540 (VCV002861540.3), dbSNP rs759098283, ClinGen allele CA2739277383.

ClinVar aggregate classification (germline): Likely pathogenic (1 of 4 stars; one submission).

Submission:

Labcorp Genetics (formerly Invitae), Labcorp
Classification: Likely pathogenic. Last evaluated: 2023-05-02. Review status: criteria provided, single submitter. Criteria: Invitae Variant Classification Sherloc (09022015). Collection method: clinical testing. Allele origin: germline.
Comment: This sequence change falls in intron 9 of the POLE gene. It does not directly change the encoded amino acid sequence of the POLE protein. RNA analysis indicates that this variant induces altered splicing and may result in an absent or disrupted protein product. In summary, the currently available evidence indicates that the variant is pathogenic, but additional data are needed to prove that conclusively. Therefore, this variant has been classified as Likely Pathogenic. Studies have shown that this variant results in activation of cryptic splice sites and introduces a premature termination codon (Invitae). The resulting mRNA is expected to undergo nonsense-mediated decay. This variant has not been reported in the literature in individuals affected with POLE-related conditions. This variant is not present in population databases (gnomAD no frequency).